The following is an entry in ClinVar:

ClinVar aggregate classification (germline): Uncertain significance. Review status: criteria provided, multiple submitters, no conflicts (2 of 4 stars). 2 submissions from 2 submitters: Uncertain significance (2). Last evaluated 2025-01-20.

Conditions:
Primary dilated cardiomyopathy (DCM). Also called: Dilated Cardiomyopathy. Identifiers: Orphanet 217604, MedGen C0007193, MeSH D002311, MONDO:0005021, HP:0001644. Inheritance: Various modes of inheritance.

Allele frequency attached by ClinVar (database versions not stated): gnomAD 0.00001; gnomAD exomes 0.00001; ExAC 0.00002; TOPMed 0.00002.
gnomAD v4.1: 21 of 1,613,212 alleles (0.0013%); highest among the groups gnomAD compares: African/African-American, 0.008%; no homozygotes.

Submissions (2):

Labcorp Genetics (formerly Invitae), Labcorp
Classification: Uncertain significance for Primary dilated cardiomyopathy. Last evaluated: 2025-01-20. Review status: criteria provided, single submitter. Criteria: Invitae Variant Classification Sherloc (09022015). Collection method: clinical testing. Allele origin: germline.
Comment: This sequence change replaces glycine, which is neutral and non-polar, with serine, which is neutral and polar, at codon 890 of the NEBL protein (p.Gly890Ser). This variant is present in population databases (rs756192561, gnomAD 0.007%). This variant has not been reported in the literature in individuals affected with NEBL-related conditions. ClinVar contains an entry for this variant (Variation ID: 1492205). An algorithm developed to predict the effect of missense changes on protein structure and function (PolyPhen-2) suggests that this variant is likely to be tolerated. In summary, the available evidence is currently insufficient to determine the role of this variant in disease. Therefore, it has been classified as a Variant of Uncertain Significance.

Ambry Genetics
Classification: Uncertain significance. Last evaluated: 2024-04-21. Review status: criteria provided, single submitter. Criteria: Ambry Variant Classification Scheme 2023. Collection method: clinical testing. Allele origin: germline.
Comment: The p.G890S variant (also known as c.2668G>A), located in coding exon 26 of the NEBL gene, results from a G to A substitution at nucleotide position 2668. The glycine at codon 890 is replaced by serine, an amino acid with similar properties. This amino acid position is conserved. In addition, this alteration is predicted to be tolerated by in silico analysis. Since supporting evidence is limited at this time, the clinical significance of this alteration remains unclear.

NM_006393.3(NEBL):c.2668G>A (p.Gly890Ser)

Gene: NEBL (nebulette; minus strand). Cytogenetic location: 10p12.31.
Variant type: single nucleotide variant.
Coding change: c.2668G>A on transcript NM_006393.3 (MANE Select); coding-DNA position 2668, G replaced by A.
Protein change: p.Gly890Ser; replaces glycine 890 with serine.
Molecular consequence: missense variant. On other transcripts: intron variant (9).
Genome position (GRCh38, 1-based): chr10:20,808,603, C>T on the plus strand (G>A on the coding strand, the complement: NEBL is on the minus strand). VCF-style: chr10-20808603-C-T. GRCh37 (hg19) VCF-style: chr10-21097532-C-T.
Other names: c.481+4166G>A (NM_001377323.1); c.421+4166G>A (NM_001377326.1, NM_001377327.1, NM_001377328.1); c.529+4166G>A (NM_213569.2, NM_001173484.2); c.622+1203G>A (NM_001377322.1); c.472+4166G>A (NM_001377324.1); c.463+4166G>A (NM_001377325.1); short protein forms G890S.
Identifiers: ClinVar variation 1492205 (VCV001492205.9), dbSNP rs756192561, ClinGen allele CA5432368.